The following is an entry in ClinVar:

NM_014425.5(INVS):c.1784+8T>C

Gene: INVS (inversin; plus strand). Cytogenetic location: 9q31.1.
Variant type: single nucleotide variant.
Coding change: c.1784+8T>C on transcript NM_014425.5 (MANE Select); 8 bases into the intron after coding-DNA position 1784, T replaced by C.
Molecular consequence: intron variant.
Genome position (GRCh38, 1-based): chr9:100,273,084, T>C. VCF-style: chr9-100273084-T-C. GRCh37 (hg19) VCF-style: chr9-103035366-T-C.
Other names: c.1784+8T>C (NM_014425.4); c.1496+8T>C (NM_001318381.2); c.806+8T>C (NM_001318382.2).
Identifiers: ClinVar variation 290441 (VCV000290441.13), dbSNP rs781669059, ClinGen allele CA5158475.

ClinVar aggregate classification (germline): Conflicting classifications of pathogenicity. Review status: criteria provided, conflicting classifications (1 of 4 stars). 3 submissions from 3 submitters: Uncertain significance (1); Likely benign (2). Last evaluated 2026-01-30.

Conditions:
Nephronophthisis. Also called: Juvenile Nephronophthisis. Identifiers: Orphanet 655, MedGen C0687120, MONDO:0019005, HP:0000090.
INVS-related disorder. Also called: INVS-related condition.

Allele frequency attached by ClinVar (database versions not stated): TOPMed 0.00001; ExAC 0.00004.
gnomAD v4.1: 16 of 1,612,180 alleles (0.00099%); highest among the groups gnomAD compares: Middle Eastern, 0.016%; no homozygotes.

Submissions (3):

PreventionGenetics, part of Exact Sciences
Classification: Likely benign for INVS-related condition. Last evaluated: 2026-01-30. Review status: criteria provided, single submitter. Criteria: ACMG Guidelines, 2015. Collection method: clinical testing. Allele origin: germline.
Comment: This variant is classified as likely benign based on ACMG/AMP sequence variant interpretation guidelines (Richards et al. 2015 PMID: 25741868, with internal and published modifications).

Labcorp Genetics (formerly Invitae), Labcorp
Classification: Likely benign for Nephronophthisis. Last evaluated: 2024-08-28. Review status: criteria provided, single submitter. Criteria: Invitae Variant Classification Sherloc (09022015). Collection method: clinical testing. Allele origin: germline.

Eurofins Ntd Llc (ga)
Classification: Uncertain significance. Last evaluated: 2016-08-16. Review status: criteria provided, single submitter. Criteria: EGL Classification Definitions 2015. Collection method: clinical testing. Allele origin: germline. Observed: 1 variant allele, 1 heterozygote.